The following is an entry in ClinVar:

ClinVar aggregate classification (germline): Likely benign (1 of 4 stars; one submission).

Submission:

Women's Health and Genetics/Laboratory Corporation of America, LabCorp
Classification: Likely benign. Last evaluated: 2026-03-24. Review status: criteria provided, single submitter. Criteria: LabCorp Variant Classification Summary - May 2015. Collection method: clinical testing. Allele origin: germline.
Comment: Variant summary: SCN11A c.618-4G>A alters a non-conserved nucleotide located at a position not widely known to affect splicing. Consensus agreement among computation tools predict no significant impact on normal splicing. However, these predictions have yet to be confirmed by functional studies. The variant was absent in 250658 control chromosomes. The available data on variant occurrences in the general population are insufficient to allow any conclusion about variant significance. To our knowledge, no occurrence of c.618-4G>A in individuals affected with SCN11A-related conditions and no experimental evidence demonstrating its impact on protein function have been reported. No submitters have cited clinical-significance assessments for this variant to ClinVar. Based on the evidence outlined above, the variant was classified as likely benign.

NM_001349253.2(SCN11A):c.618-4G>A

Gene: SCN11A (sodium voltage-gated channel alpha subunit 11; minus strand). Cytogenetic location: 3p22.2.
Variant type: single nucleotide variant.
Coding change: c.618-4G>A on transcript NM_001349253.2 (MANE Select); 4 bases into the intron before coding-DNA position 618, G replaced by A.
Molecular consequence: intron variant.
Genome position (GRCh38, 1-based): chr3:38,925,513, C>T on the plus strand (G>A on the coding strand, the complement: SCN11A is on the minus strand). VCF-style: chr3-38925513-C-T. GRCh37 (hg19) VCF-style: chr3-38967004-C-T.
Other names: c.618-4G>A (NM_014139.3).
Identifiers: ClinVar variation 4847726 (VCV004847726.1).
Genomic context (GRCh38, chr3:38,925,513, plus strand): 5'-CGGAAGGTACGCAGGGGCAATAGTTTGATGGTGATTCCTGGAATATATGACACAATCCTA[C>T]AAGACAAAGCACAGGGAAGGCATGGGCTTGCTCAGTCCTGCAGCTGCACTGCACATCTCC-3'